The following is an entry in ClinVar:

NM_001130144.3(LTBP3):c.2206A>G (p.Ser736Gly)

Genes: LTBP3 (latent transforming growth factor beta binding protein 3; minus strand), LOC130006030 (ATAC-STARR-seq lymphoblastoid silent region 3533; plus strand). Cytogenetic location: 11q13.1.
Variant type: single nucleotide variant.
Coding change: c.2206A>G on transcript NM_001130144.3 (MANE Select); coding-DNA position 2206, A replaced by G.
Protein change: p.Ser736Gly; replaces serine 736 with glycine.
Molecular consequence: missense variant.
Genome position (GRCh38, 1-based): chr11:65,546,822, T>C on the plus strand (A>G on the coding strand, the complement: LTBP3 is on the minus strand). VCF-style: chr11-65546822-T-C. GRCh37 (hg19) VCF-style: chr11-65314293-T-C.
Other names: c.2206A>G (NM_001130144.2); c.1855A>G, p.Ser619Gly (NM_001164266.1); c.2206A>G, p.Ser736Gly (NM_021070.4); short protein forms S736G, S619G.
Identifiers: ClinVar variation 2740803 (VCV002740803.4), dbSNP rs751809934, ClinGen allele CA6100716.
Genomic context (GRCh38, chr11:65,546,822, plus strand): 5'-CGGCCCCACCCACTCGGCTCCGGGCCCCGCCCTCACCGCGACAGGCCCCGCCCCCCTGGC[T>C]GCGGTAGCCAGGCTGACAGGCGATGCACTTGAAGCTCCCGGGCTTGTTCTCGCATTTGCC-3'
Protein context (NP_001123616.1, residues 726-746): KCIACQPGYR[Ser736Gly]QGGGACRDVN

ClinVar aggregate classification (germline): Uncertain significance. Review status: criteria provided, multiple submitters, no conflicts (2 of 4 stars). 2 submissions from 2 submitters: Uncertain significance (2). Last evaluated 2025-12-11.

Conditions:
Inborn genetic diseases. Identifiers: MedGen C0950123, MeSH D030342.
Brachyolmia-amelogenesis imperfecta syndrome. Also called: PLATYSPONDYLY WITH AMELOGENESIS IMPERFECTA; Tooth agenesis, selective, 6; Dental anomalies and short stature. Identifiers: Orphanet 2899, MedGen C1832594, MONDO:0011018, OMIM 601216. Disease mechanism: loss of function.

Allele frequency attached by ClinVar (database versions not stated): TOPMed 0.00001; ExAC 0.00002.
gnomAD v4.1: 8 of 1,607,306 alleles (0.0005%); highest among the groups gnomAD compares: Non-Finnish European, 0.00068%; no homozygotes.

Submissions (2):

Labcorp Genetics (formerly Invitae), Labcorp
Classification: Uncertain significance for Brachyolmia-amelogenesis imperfecta syndrome. Last evaluated: 2025-12-11. Review status: criteria provided, single submitter. Criteria: Invitae Variant Classification Sherloc (09022015). Collection method: clinical testing. Allele origin: germline.
Comment: This sequence change replaces serine, which is neutral and polar, with glycine, which is neutral and non-polar, at codon 736 of the LTBP3 protein (p.Ser736Gly). This variant is present in population databases (rs751809934, gnomAD 0.002%). This variant has not been reported in the literature in individuals affected with LTBP3-related conditions. ClinVar contains an entry for this variant (Variation ID: 2740803). An algorithm developed to predict the effect of missense changes on protein structure and function (PolyPhen-2) suggests that this variant is likely to be tolerated. In summary, the available evidence is currently insufficient to determine the role of this variant in disease. Therefore, it has been classified as a Variant of Uncertain Significance.

Ambry Genetics
Classification: Uncertain significance for Inborn genetic diseases. Last evaluated: 2024-05-25. Review status: criteria provided, single submitter. Criteria: Ambry Variant Classification Scheme 2023. Collection method: clinical testing. Allele origin: germline.
Comment: The p.S736G variant (also known as c.2206A>G), located in coding exon 15 of the LTBP3 gene, results from an A to G substitution at nucleotide position 2206. The serine at codon 736 is replaced by glycine, an amino acid with similar properties. This amino acid position is conserved. In addition, this alteration is predicted to be tolerated by in silico analysis. Based on the available evidence, the clinical significance of this variant remains unclear.